The following is an entry in ClinVar:

ClinVar aggregate classification (germline): Uncertain significance (1 of 4 stars; one submission).

Allele frequency attached by ClinVar (database versions not stated): gnomAD exomes below 0.00001.
gnomAD v4.1: 1 of 1,613,924 alleles (0.000062%); highest among the groups gnomAD compares: Non-Finnish European, 0.000085%; no homozygotes.

Submission:

GeneDx
Classification: Uncertain significance. Last evaluated: 2023-03-29. Review status: criteria provided, single submitter. Criteria: GeneDx Variant Classification Process June 2021. Collection method: clinical testing. Allele origin: germline. Affected: yes.
Comment: Not observed at significant frequency in large population cohorts (gnomAD); In silico analysis supports that this missense variant does not alter protein structure/function; Has not been previously published as pathogenic or benign to our knowledge

NM_002661.5(PLCG2):c.3582G>C (p.Glu1194Asp)

Gene: PLCG2 (phospholipase C gamma 2; plus strand). Cytogenetic location: 16q23.3.
Variant type: single nucleotide variant.
Coding change: c.3582G>C on transcript NM_002661.5 (MANE Select); coding-DNA position 3582, G replaced by C.
Protein change: p.Glu1194Asp; replaces glutamic acid 1194 with aspartic acid.
Molecular consequence: missense variant.
Genome position (GRCh38, 1-based): chr16:81,956,706, G>C. VCF-style: chr16-81956706-G-C. GRCh37 (hg19) VCF-style: chr16-81990311-G-C.
Other names: short protein forms E1194D.
Identifiers: ClinVar variation 2581962 (VCV002581962.1), dbSNP rs1911582997, ClinGen allele CA396898184.